The following is an entry in ClinVar:

NM_000383.4(AIRE):c.1420T>C (p.Ser474Pro)

Gene: AIRE (autoimmune regulator; plus strand). Cytogenetic location: 21q22.3.
Variant type: single nucleotide variant.
Coding change: c.1420T>C on transcript NM_000383.4 (MANE Select); coding-DNA position 1420, T replaced by C.
Protein change: p.Ser474Pro; replaces serine 474 with proline.
Molecular consequence: missense variant.
Genome position (GRCh38, 1-based): chr21:44,294,420, T>C. VCF-style: chr21-44294420-T-C. GRCh37 (hg19) VCF-style: chr21-45714303-T-C.
Other names: short protein forms S474P.
Identifiers: ClinVar variation 4803231 (VCV004803231.1).

ClinVar aggregate classification (germline): Uncertain significance (1 of 4 stars; one submission).

Conditions:
Polyglandular autoimmune syndrome, type 1 (APS1). Also called: AUTOIMMUNE POLYENDOCRINE SYNDROME, TYPE I, WITH OR WITHOUT REVERSIBLE METAPHYSEAL DYSPLASIA; APS I; Autoimmune polyendocrinopathy syndrome, type I; HYPOADRENOCORTICISM WITH HYPOPARATHYROIDISM AND SUPERFICIAL MONILIASIS; PGA I; Autoimmune polyendocrine syndrome type 1. Identifiers: Orphanet 3453, MedGen C0085859, MONDO:0009411, OMIM 240300.

Submission:

Labcorp Genetics (formerly Invitae), Labcorp
Classification: Uncertain significance for Polyglandular autoimmune syndrome, type 1. Last evaluated: 2025-05-13. Review status: criteria provided, single submitter. Criteria: Invitae Variant Classification Sherloc (09022015). Collection method: clinical testing. Allele origin: germline.
Comment: This sequence change replaces serine, which is neutral and polar, with proline, which is neutral and non-polar, at codon 474 of the AIRE protein (p.Ser474Pro). This variant is not present in population databases (gnomAD no frequency). This variant has not been reported in the literature in individuals affected with AIRE-related conditions. Invitae Evidence Modeling of protein sequence and biophysical properties (such as structural, functional, and spatial information, amino acid conservation, physicochemical variation, residue mobility, and thermodynamic stability) indicates that this missense variant is not expected to disrupt AIRE protein function with a negative predictive value of 95%. In summary, the available evidence is currently insufficient to determine the role of this variant in disease. Therefore, it has been classified as a Variant of Uncertain Significance.